The following is an entry in ClinVar:

NM_001366006.2(ADGRL2):c.4166G>A (p.Arg1389Lys)

Gene: ADGRL2 (adhesion G protein-coupled receptor L2; plus strand). Cytogenetic location: 1p31.1.
Variant type: single nucleotide variant.
Coding change: c.4166G>A on transcript NM_001366006.2 (MANE Select); coding-DNA position 4166, G replaced by A.
Protein change: p.Arg1389Lys; replaces arginine 1389 with lysine.
Molecular consequence: missense variant. On other transcripts: 3 prime UTR variant (8), non-coding transcript variant (1).
Genome position (GRCh38, 1-based): chr1:81,990,901, G>A. VCF-style: chr1-81990901-G-A. GRCh37 (hg19) VCF-style: chr1-82456585-G-A.
Other names: c.3968G>A, p.Arg1323Lys (NM_001297704.3, NM_001366002.2, NM_001393351.1 and 2 more transcripts); c.*540G>A (NM_001297705.3); c.*499G>A (NM_001297706.3, NM_001366009.2, NM_001393353.1); c.4007G>A, p.Arg1336Lys (NM_001330645.3, NM_001393350.1); c.4148G>A, p.Arg1383Lys (NM_001350698.2, NM_001366003.2, NM_001366004.2 and 1 more transcripts); c.*558G>A (NM_001350699.2, NM_001393354.1); c.4166G>A, p.Arg1389Lys (NM_001366005.2); c.*526G>A (NM_001366007.2, NM_001366008.2); short protein forms R1323K, R1336K, R1383K, R1389K.
Identifiers: ClinVar variation 3037276 (VCV003037276.2), dbSNP rs41292984, ClinGen allele CA923262.

ClinVar aggregate classification (germline): Benign (0 of 4 stars; one submission).

Conditions:
ADGRL2-related disorder. Also called: ADGRL2-related condition.

Allele frequency attached by ClinVar (database versions not stated): 1000 Genomes Project 30x 0.01421; 1000 Genomes Project 0.01518; gnomAD 0.02676; ExAC 0.02780; TOPMed 0.02835; gnomAD exomes 0.03133; ESP Exome Variant Server 0.03237.
gnomAD v4.1: 50,152 of 1,614,048 alleles (3.1%); highest among the groups gnomAD compares: Middle Eastern, 4.3%; 919 homozygotes.

Submission:

PreventionGenetics, part of Exact Sciences
Classification: Benign for ADGRL2-related condition. Last evaluated: 2019-12-10. Review status: no assertion criteria provided. Collection method: clinical testing. Allele origin: germline.
Comment: This variant is classified as benign based on ACMG/AMP sequence variant interpretation guidelines (Richards et al. 2015 PMID: 25741868, with internal and published modifications).